The following is an entry in ClinVar:

ClinVar aggregate classification (germline): Uncertain significance (1 of 4 stars; one submission).

gnomAD v4.1: 1 of 1,613,486 alleles (0.000062%); highest among the groups gnomAD compares: Non-Finnish European, 0.000085%; no homozygotes.

Submission:

GeneDx
Classification: Uncertain significance. Last evaluated: 2024-03-13. Review status: criteria provided, single submitter. Criteria: GeneDx Variant Classification Process June 2021. Collection method: clinical testing. Allele origin: germline. Affected: yes.
Comment: Not observed at significant frequency in large population cohorts (gnomAD); Has not been previously published as pathogenic or benign to our knowledge

NM_000093.5(COL5A1):c.1989G>A (p.Arg663=)

Gene: COL5A1 (collagen type V alpha 1 chain; plus strand). Cytogenetic location: 9q34.3.
Variant type: single nucleotide variant.
Coding change: c.1989G>A on transcript NM_000093.5 (MANE Select); coding-DNA position 1989, G replaced by A.
Protein change: p.Arg663=; no amino-acid change (arginine 663 retained).
Molecular consequence: synonymous variant.
Genome position (GRCh38, 1-based): chr9:134,761,978, G>A. VCF-style: chr9-134761978-G-A. GRCh37 (hg19) VCF-style: chr9-137653824-G-A.
Other names: c.1989G>A, p.Arg663= (NM_001278074.1).
Identifiers: ClinVar variation 3370972 (VCV003370972.1).
Genomic context (GRCh38, chr9:134,761,978, plus strand): 5'-TTCCTAGGGTGACCCTGGTCCTTCCGGCCCACCAGGACCTCCGGGAGACGATGGAGAAAG[G>A]GTAGGTATTCTGCCGTCCCTCCGACTGCTCCTGCCTGCCCTACTCCTCAGTGATTTGGGC-3'
Protein context (NP_000084.3, residues 653-673): PPGPPGDDGE[Arg663=]GDDGEVGPRG